The following is an entry in ClinVar:

NM_001350562.2(TJAP1):c.45A>G (p.Pro15=)

Gene: TJAP1 (tight junction associated protein 1; plus strand). Cytogenetic location: 6p21.1.
Variant type: single nucleotide variant.
Coding change: c.45A>G on transcript NM_001350562.2 (MANE Select); coding-DNA position 45, A replaced by G.
Protein change: p.Pro15=; no amino-acid change (proline 15 retained).
Molecular consequence: synonymous variant. On other transcripts: 5 prime UTR variant (8), non-coding transcript variant (1).
Genome position (GRCh38, 1-based): chr6:43,499,046, A>G. VCF-style: chr6-43499046-A-G. GRCh37 (hg19) VCF-style: chr6-43466784-A-G.
Other names: c.45A>G, p.Pro15= (NM_001146016.2, NM_001146017.2, NM_001146018.2 and 12 more transcripts); c.-115A>G (NM_001394538.1, NM_001394539.1, NM_001394540.1 and 5 more transcripts).
Identifiers: ClinVar variation 3905963 (VCV003905963.10).
Genomic context (GRCh38, chr6:43,499,046, plus strand): 5'-GCCGTCACCTCCCAGAATGACTAGTGCCGCCCCTGCTAAGAAACCCTACCGTAAGGCACC[A>G]CCAGAGCATCGGGAGCTGCGTTTGGAAATTCCTGGATCCCGGCTTGAGCAGGAGGTCAGC-3'
Protein context (NP_001337491.1, residues 5-25): APAKKPYRKA[Pro15=]PEHRELRLEI

ClinVar aggregate classification (germline): Likely benign (1 of 4 stars; one submission).

gnomAD v4.1: 7 of 1,613,962 alleles (0.00043%); highest among the groups gnomAD compares: African/African-American, 0.0067%; no homozygotes.

Submission:

CeGaT Center for Human Genetics Tuebingen
Classification: Likely benign. Last evaluated: 2025-06-01. Review status: criteria provided, single submitter. Criteria: CeGaT Center For Human Genetics Tuebingen Variant Classification Criteria Version 2. Collection method: clinical testing. Allele origin: germline. Affected: yes. Observed: 1 variant allele.
Comment: TJAP1: BP4, BP7